The following is an entry in ClinVar:

ClinVar aggregate classification (germline): Uncertain significance (1 of 4 stars; one submission).

Conditions:
Hyperkalemic periodic paralysis. Also called: Familial hyperkalemic periodic paralysis; Gamstorp disease. Identifiers: Orphanet 682, MedGen C0238357, MONDO:0008224, OMIM 170500, HP:0007215.

Allele frequency attached by ClinVar (database versions not stated): gnomAD exomes below 0.00001.
gnomAD v4.1: 2 of 1,592,406 alleles (0.00013%); highest among the groups gnomAD compares: Non-Finnish European, 0.000086%; no homozygotes.

Submission:

Labcorp Genetics (formerly Invitae), Labcorp
Classification: Uncertain significance for Hyperkalemic periodic paralysis. Last evaluated: 2024-01-04. Review status: criteria provided, single submitter. Criteria: Invitae Variant Classification Sherloc (09022015). Collection method: clinical testing. Allele origin: germline.
Comment: This sequence change replaces glutamic acid, which is acidic and polar, with lysine, which is basic and polar, at codon 988 of the SCN4A protein (p.Glu988Lys). This variant is present in population databases (no rsID available, gnomAD 0.001%). This variant has not been reported in the literature in individuals affected with SCN4A-related conditions. Advanced modeling of protein sequence and biophysical properties (such as structural, functional, and spatial information, amino acid conservation, physicochemical variation, residue mobility, and thermodynamic stability) performed at Invitae indicates that this missense variant is not expected to disrupt SCN4A protein function with a negative predictive value of 95%. In summary, the available evidence is currently insufficient to determine the role of this variant in disease. Therefore, it has been classified as a Variant of Uncertain Significance.

NM_000334.4(SCN4A):c.2962G>A (p.Glu988Lys)

Genes: GH-LCR (growth hormone locus control region; plus strand), SCN4A (sodium voltage-gated channel alpha subunit 4; minus strand). Cytogenetic location: 17q23.3.
Variant type: single nucleotide variant.
Coding change: c.2962G>A on transcript NM_000334.4 (MANE Select); coding-DNA position 2962, G replaced by A.
Protein change: p.Glu988Lys; replaces glutamic acid 988 with lysine.
Molecular consequence: missense variant.
Genome position (GRCh38, 1-based): chr17:63,949,420, C>T on the plus strand (G>A on the coding strand, the complement: SCN4A is on the minus strand). VCF-style: chr17-63949420-C-T. GRCh37 (hg19) VCF-style: chr17-62026780-C-T.
Other names: short protein forms E988K.
Identifiers: ClinVar variation 2723097 (VCV002723097.3), dbSNP rs1370194200, ClinGen allele CA400622202.